The following is an entry in ClinVar:

ClinVar aggregate classification (germline): Uncertain significance (1 of 4 stars; one submission).

Conditions:
Arrhythmogenic cardiomyopathy with wooly hair and keratoderma. Also called: PALMOPLANTAR KERATODERMA WITH LEFT VENTRICULAR CARDIOMYOPATHY AND WOOLLY HAIR; Carvajal syndrome; Dilated cardiomyopathy with woolly hair and keratoderma; Arrhythmogenic cardiomyopathy with woolly hair and keratoderma. Identifiers: Orphanet 65282, MedGen C1854063, MONDO:0011581, OMIM 605676.

Allele frequency attached by ClinVar (database versions not stated): gnomAD exomes below 0.00001.
gnomAD v4.1: 1 of 1,614,116 alleles (0.000062%); highest among the groups gnomAD compares: Non-Finnish European, 0.000085%; no homozygotes.

Submission:

All of Us Research Program, National Institutes of Health
Classification: Uncertain significance for Arrhythmogenic cardiomyopathy with wooly hair and keratoderma. Last evaluated: 2023-04-27. Review status: criteria provided, single submitter. Criteria: ACMG Guidelines, 2015. Collection method: clinical testing. Allele origin: germline. Inheritance: Autosomal dominant inheritance. Observed: 1 variant allele, 1 heterozygote.
Comment: This study involves interpretation of variants in research participants for the purpose of population health screening. Participant phenotype was not available at the time of variant classification. Additional details can be found in publication PMID: 35346344, PMCID: PMC8962531

NM_004415.4(DSP):c.7315A>G (p.Thr2439Ala)

Gene: DSP (desmoplakin; plus strand). Cytogenetic location: 6p24.3.
Variant type: single nucleotide variant.
Coding change: c.7315A>G on transcript NM_004415.4 (MANE Select); coding-DNA position 7315, A replaced by G.
Protein change: p.Thr2439Ala; replaces threonine 2439 with alanine.
Molecular consequence: missense variant.
Genome position (GRCh38, 1-based): chr6:7,584,577, A>G. VCF-style: chr6-7584577-A-G. GRCh37 (hg19) VCF-style: chr6-7584810-A-G.
Other names: c.5518A>G, p.Thr1840Ala (NM_001008844.3); c.5986A>G, p.Thr1996Ala (NM_001319034.2); short protein forms T1840A, T1996A, T2439A.
Identifiers: ClinVar variation 3070625 (VCV003070625.1), dbSNP rs2533945135, ClinGen allele CA362692732.